The following is an entry in ClinVar:

NM_138387.4(G6PC3):c.702G>T (p.Trp234Cys)

Gene: G6PC3 (glucose-6-phosphatase catalytic subunit 3; plus strand). Cytogenetic location: 17q21.31.
Variant type: single nucleotide variant.
Coding change: c.702G>T on transcript NM_138387.4 (MANE Select); coding-DNA position 702, G replaced by T.
Protein change: p.Trp234Cys; replaces tryptophan 234 with cysteine.
Molecular consequence: missense variant.
Genome position (GRCh38, 1-based): chr17:44,075,704, G>T. VCF-style: chr17-44075704-G-T. GRCh37 (hg19) VCF-style: chr17-42153072-G-T.
Other names: c.583G>T, p.Val195Leu (NM_001319945.2); c.357G>T, p.Trp119Cys (NM_001384165.1, NM_001384166.1, NM_001384167.1 and 1 more transcripts); short protein forms W119C, V195L, W234C.
Identifiers: ClinVar variation 4260973 (VCV004260973.1).
Genomic context (GRCh38, chr17:44,075,704, plus strand): 5'-CCAGCCTCTCCTGGCAAGAACTCTTCTTCCCCACAGGTCCATCAGCCTAGCCTTCAAGTG[G>T]TGTGAGCGGCCTGAGTGGATACACGTGGATAGCCGGCCCTTTGCCTCCCTGAGCCGTGAC-3'
Protein context (NP_612396.1, residues 224-244): LSWSISLAFK[Trp234Cys]CERPEWIHVD

ClinVar aggregate classification (germline): Uncertain significance (1 of 4 stars; one submission).

Conditions:
Inborn genetic diseases. Identifiers: MedGen C0950123, MeSH D030342.

Submission:

Ambry Genetics
Classification: Uncertain significance for Inborn genetic diseases. Last evaluated: 2025-06-24. Review status: criteria provided, single submitter. Criteria: Ambry Variant Classification Scheme 2023. Collection method: clinical testing. Allele origin: germline.
Comment: The p.W234C variant (also known as c.702G>T), located in coding exon 6 of the G6PC3 gene, results from a G to T substitution at nucleotide position 702. The tryptophan at codon 234 is replaced by cysteine, an amino acid with highly dissimilar properties. This amino acid position is conserved. In addition, this alteration is predicted to be deleterious by in silico analysis. Based on the available evidence, the clinical significance of this variant remains unclear.